The following is an entry in ClinVar:

ClinVar aggregate classification (germline): Likely benign. Review status: criteria provided, multiple submitters, no conflicts (2 of 4 stars). 3 submissions from 3 submitters: Likely benign (3). Last evaluated 2025-04-02.

Conditions:
RAI1-related disorder. Also called: RAI1-related condition.
Inborn genetic diseases. Identifiers: MedGen C0950123, MeSH D030342.

Allele frequency attached by ClinVar (database versions not stated): ExAC 0.00001; gnomAD 0.00003.
gnomAD v4.1: 59 of 1,612,872 alleles (0.0037%); highest among the groups gnomAD compares: South Asian, 0.018%; no homozygotes.

Submissions (3):

PreventionGenetics, part of Exact Sciences
Classification: Likely benign for RAI1-related condition. Last evaluated: 2025-04-02. Review status: criteria provided, single submitter. Criteria: ACMG Guidelines, 2015. Collection method: clinical testing. Allele origin: germline.
Comment: This variant is classified as likely benign based on ACMG/AMP sequence variant interpretation guidelines (Richards et al. 2015 PMID: 25741868, with internal and published modifications).

Labcorp Genetics (formerly Invitae), Labcorp
Classification: Likely benign. Last evaluated: 2023-11-24. Review status: criteria provided, single submitter. Criteria: Invitae Variant Classification Sherloc (09022015). Collection method: clinical testing. Allele origin: germline.

Ambry Genetics
Classification: Likely benign for Inborn genetic diseases. Last evaluated: 2019-03-08. Review status: criteria provided, single submitter. Criteria: Ambry Variant Classification Scheme 2023. Collection method: clinical testing. Allele origin: germline.

NM_030665.4(RAI1):c.750G>A (p.Pro250=)

Gene: RAI1 (retinoic acid induced 1; plus strand). Cytogenetic location: 17p11.2.
Variant type: single nucleotide variant.
Coding change: c.750G>A on transcript NM_030665.4 (MANE Select); coding-DNA position 750, G replaced by A.
Protein change: p.Pro250=; no amino-acid change (proline 250 retained).
Molecular consequence: synonymous variant.
Genome position (GRCh38, 1-based): chr17:17,793,698, G>A. VCF-style: chr17-17793698-G-A. GRCh37 (hg19) VCF-style: chr17-17697012-G-A.
Identifiers: ClinVar variation 1759257 (VCV001759257.10), dbSNP rs762582939, ClinGen allele CA8418179.